The following is an entry in ClinVar:

ClinVar aggregate classification (germline): Likely benign (1 of 4 stars; one submission).

Conditions:
PLXNA2-related disorder. Also called: PLXNA2-related condition.

gnomAD v4.1: 4 of 1,595,412 alleles (0.00025%); highest among the groups gnomAD compares: South Asian, 0.0033%; no homozygotes.

Submission:

PreventionGenetics, part of Exact Sciences
Classification: Likely benign for PLXNA2-related condition. Last evaluated: 2024-10-09. Review status: criteria provided, single submitter. Criteria: ACMG Guidelines, 2015. Collection method: clinical testing. Allele origin: germline.
Comment: This variant is classified as likely benign based on ACMG/AMP sequence variant interpretation guidelines (Richards et al. 2015 PMID: 25741868, with internal and published modifications).

NM_025179.4(PLXNA2):c.2586+10G>A

Gene: PLXNA2 (plexin A2; minus strand). Cytogenetic location: 1q32.2.
Variant type: single nucleotide variant.
Coding change: c.2586+10G>A on transcript NM_025179.4 (MANE Select); 10 bases into the intron after coding-DNA position 2586, G replaced by A.
Molecular consequence: intron variant.
Genome position (GRCh38, 1-based): chr1:208,079,250, C>T on the plus strand (G>A on the coding strand, the complement: PLXNA2 is on the minus strand). VCF-style: chr1-208079250-C-T. GRCh37 (hg19) VCF-style: chr1-208252595-C-T.
Identifiers: ClinVar variation 4977421 (VCV004977421.1).